The following is an entry in ClinVar:

ClinVar aggregate classification (germline): Uncertain significance. Review status: criteria provided, single submitter (1 of 4 stars). 2 submissions from 2 submitters: Uncertain significance (1). 1 of the submissions does not count toward it. Last evaluated 2019-11-09.

Conditions:
Ethylmalonic encephalopathy (EE). Also called: Syndrome of encephalopathy, petechiae, and ethylmalonic aciduria; EPEMA syndrome; Encephalopathy, petechiae, and ethylmalonic aciduria. Identifiers: Orphanet 51188, MedGen C1865349, MONDO:0011229, OMIM 602473. Disease mechanism: loss of function.

Submissions (2):

Labcorp Genetics (formerly Invitae), Labcorp
Classification: Uncertain significance for Ethylmalonic encephalopathy. Last evaluated: 2019-11-09. Review status: criteria provided, single submitter. Criteria: Invitae Variant Classification Sherloc (09022015). Collection method: clinical testing. Allele origin: germline.
Comment: This sequence change falls in intron 4 of the ETHE1 gene. It does not directly change the encoded amino acid sequence of the ETHE1 protein, but it affects a nucleotide within the consensus splice site of the intron. This variant is not present in population databases (ExAC no frequency). This variant has not been reported in the literature in individuals with ETHE1-related conditions. Nucleotide substitutions within the consensus splice site are a relatively common cause of aberrant splicing (PMID: 17576681, 9536098). Algorithms developed to predict the effect of sequence changes on RNA splicing suggest that this variant may disrupt the consensus splice site, but this prediction has not been confirmed by published transcriptional studies. In summary, the available evidence is currently insufficient to determine the role of this variant in disease. Therefore, it has been classified as a Variant of Uncertain Significance.

Natera, Inc.
Classification: Uncertain significance for Ethylmalonic encephalopathy. Last evaluated: 2020-10-06. Review status: no assertion criteria provided. Collection method: clinical testing. Allele origin: germline. Not counted in ClinVar's aggregate classification.

Literature cited by the submitters: PubMed 17576681 (cited by Labcorp Genetics (formerly Invitae), Labcorp); PubMed 9536098 (cited by Labcorp Genetics (formerly Invitae), Labcorp).

NM_014297.5(ETHE1):c.505+4A>G

Gene: ETHE1 (ETHE1 persulfide dioxygenase; minus strand). Cytogenetic location: 19q13.31.
Variant type: single nucleotide variant.
Coding change: c.505+4A>G on transcript NM_014297.5 (MANE Select); 4 bases into the intron after coding-DNA position 505, A replaced by G.
Molecular consequence: intron variant.
Genome position (GRCh38, 1-based): chr19:43,511,433, T>C on the plus strand (A>G on the coding strand, the complement: ETHE1 is on the minus strand). VCF-style: chr19-43511433-T-C. GRCh37 (hg19) VCF-style: chr19-44015585-T-C.
Other names: c.211+4A>G (NM_001320869.2); c.136+4A>G (NM_001320868.2); c.472+4A>G (NM_001320867.2).
Identifiers: ClinVar variation 959317 (VCV000959317.7), dbSNP rs1568493446, ClinGen allele CA1139666479.